The following is an entry in ClinVar:

ClinVar aggregate classification (germline): Pathogenic (1 of 4 stars; one submission).

Conditions:
Hereditary breast ovarian cancer syndrome. Also called: Breast and ovarian cancer; Hereditary breast and ovarian cancer; Hereditary breast and/or ovarian cancer syndrome; BRCA1- and BRCA2-Associated Hereditary Breast and Ovarian Cancer; Hereditary breast and ovarian cancer syndrome (HBOC); Hereditary breast and ovarian cancer syndrome. Identifiers: Orphanet 145, MedGen C0677776, MeSH D061325, MONDO:0003582. Disease mechanism: loss of function.

Submission:

Labcorp Genetics (formerly Invitae), Labcorp
Classification: Pathogenic for Hereditary breast ovarian cancer syndrome. Last evaluated: 2016-10-11. Review status: criteria provided, single submitter. Criteria: Invitae Variant Classification Sherloc (09022015). Collection method: clinical testing. Allele origin: germline.
Comment: This variant is a gross deletion of the genomic region encompassing exons 2-3 of the BRCA2 gene, which includes the initiator codon. The 5' end of this event is unknown as it extends beyond the assayed region for this gene and therefore may encompass additional genes. The 3' boundary is likely confined to intron 3 of the BRCA2 gene. This is expected to result in an absent or disrupted protein product. Loss-of-function variants including gross deletions in BRCA2 are known to be pathogenic. In addition, a smaller gross deletion of exon 2 including the initiator codon has been reported in individuals affected with hereditary breast and/or ovarian cancer (PMID: 17063271). Four different variants involving the initiation codon (c.2T>A, c.2T>C, c.2T>G, and c.3G>A) have been reported in individuals affected with hereditary breast and/or ovarian cancer (PMID: 24607278, 24156927, 14647210, 18182601), indicating that this start site is critical for translation of a functional BRCA2 protein. For these reasons, this variant has been classified as Pathogenic.

NC_000013.11:g.(?_32316422)_(32319325_?)del

Gene: BRCA2 (BRCA2 DNA repair associated; plus strand). Cytogenetic location: 13q13.1.
Variant type: Deletion.
Identifiers: ClinVar variation 417469 (VCV000417469.1).